The following is an entry in ClinVar:

ClinVar aggregate classification (germline): Uncertain significance. Review status: criteria provided, multiple submitters, no conflicts (2 of 4 stars). 2 submissions from 2 submitters: Uncertain significance (2). Last evaluated 2023-06-01.

Allele frequency attached by ClinVar (database versions not stated): gnomAD exomes below 0.00001.
gnomAD v4.1: 3 of 1,614,190 alleles (0.00019%); highest among the groups gnomAD compares: Non-Finnish European, 0.00017%; no homozygotes.

Submissions (2):

CeGaT Center for Human Genetics Tuebingen
Classification: Uncertain significance. Last evaluated: 2023-06-01. Review status: criteria provided, single submitter. Criteria: CeGaT Center For Human Genetics Tuebingen Variant Classification Criteria Version 2. Collection method: clinical testing. Allele origin: germline. Affected: yes. Observed: 1 variant allele.
Comment: COL12A1: PM2

Revvity Omics, Revvity
Classification: Uncertain significance. Last evaluated: 2019-08-14. Review status: criteria provided, single submitter. Criteria: ACMG Guidelines, 2015. Collection method: clinical testing. Allele origin: germline.

NM_004370.6(COL12A1):c.1744T>A (p.Ser582Thr)

Gene: COL12A1 (collagen type XII alpha 1 chain; minus strand). Cytogenetic location: 6q13.
Variant type: single nucleotide variant.
Coding change: c.1744T>A on transcript NM_004370.6 (MANE Select); coding-DNA position 1744, T replaced by A.
Protein change: p.Ser582Thr; replaces serine 582 with threonine.
Molecular consequence: missense variant. On other transcripts: intron variant (1).
Genome position (GRCh38, 1-based): chr6:75,183,197, A>T on the plus strand (T>A on the coding strand, the complement: COL12A1 is on the minus strand). VCF-style: chr6-75183197-A-T. GRCh37 (hg19) VCF-style: chr6-75892913-A-T.
Other names: c.73+19523T>A (NM_080645.3); short protein forms S582T.
Identifiers: ClinVar variation 2440224 (VCV002440224.30), dbSNP rs1769412281, ClinGen allele CA364768711.